The following is an entry in ClinVar:

NM_002861.5(PCYT2):c.835C>T (p.Arg279Trp)

Gene: PCYT2 (phosphate cytidylyltransferase 2, ethanolamine; minus strand). Cytogenetic location: 17q25.3.
Variant type: single nucleotide variant.
Coding change: c.835C>T on transcript NM_002861.5 (MANE Select); coding-DNA position 835, C replaced by T.
Protein change: p.Arg279Trp; replaces arginine 279 with tryptophan.
Molecular consequence: missense variant.
Genome position (GRCh38, 1-based): chr17:81,906,102, G>A on the plus strand (C>T on the coding strand, the complement: PCYT2 is on the minus strand). VCF-style: chr17-81906102-G-A. GRCh37 (hg19) VCF-style: chr17-79863978-G-A.
Other names: c.889C>T, p.Arg297Trp (NM_001184917.3); c.673C>T, p.Arg225Trp (NM_001256433.3); c.712C>T, p.Arg238Trp (NM_001256434.3); c.601C>T, p.Arg201Trp (NM_001256435.3, NM_001282203.2); c.739C>T, p.Arg247Trp (NM_001282204.2); c.835C>T, p.Arg279Trp (NM_001330518.2); short protein forms R201W, R225W, R238W, R247W, R279W, R297W.
Identifiers: ClinVar variation 4861694 (VCV004861694.1).
Genomic context (GRCh38, chr17:81,906,102, plus strand): 5'-GGGGGGATGTTGTGGGAATGTCTCCCCATCCTTGGGCTGGCTCCTGGCCCCCACTCACCC[G>A]GCAGGCCAGCACGCTCAGAGTCCGTTCATGCAGATTCATGATGGGGTAGTTCTTCCCCTT-3'
Protein context (NP_002852.1, residues 269-289): HERTLSVLAC[Arg279Trp]YVSEVVIGAP

ClinVar aggregate classification (germline): Uncertain significance (1 of 4 stars; one submission).

Conditions:
Inborn genetic diseases. Identifiers: MedGen C0950123, MeSH D030342.

gnomAD v4.1: 24 of 1,609,844 alleles (0.0015%); highest among the groups gnomAD compares: African/African-American, 0.0027%; no homozygotes.

Submission:

Ambry Genetics
Classification: Uncertain significance for Inborn genetic diseases. Last evaluated: 2026-05-26. Review status: criteria provided, single submitter. Criteria: Ambry Variant Classification Scheme 2023. Collection method: clinical testing. Allele origin: germline.
Comment: The c.889C>T (p.R297W) alteration is located in exon 10 (coding exon 10) of the PCYT2 gene. This alteration results from a C to T substitution at nucleotide position 889, causing the arginine (R) at amino acid position 297 to be replaced by a tryptophan (W). Based on data from gnomAD, the T allele has an overall frequency of 0.001% (3/245604) total alleles studied. The highest observed frequency was 0.003% (1/30084) of South Asian alleles. Based on insufficient or conflicting evidence, the clinical significance of this alteration remains unclear.